The following is an entry in ClinVar:

NM_001252024.2(TRPM1):c.964G>A (p.Gly322Arg)

Gene: TRPM1 (transient receptor potential cation channel subfamily M member 1; minus strand). Cytogenetic location: 15q13.3.
Variant type: single nucleotide variant.
Coding change: c.964G>A on transcript NM_001252024.2 (MANE Select); coding-DNA position 964, G replaced by A.
Protein change: p.Gly322Arg; replaces glycine 322 with arginine.
Molecular consequence: missense variant.
Genome position (GRCh38, 1-based): chr15:31,063,119, C>T on the plus strand (G>A on the coding strand, the complement: TRPM1 is on the minus strand). VCF-style: chr15-31063119-C-T. GRCh37 (hg19) VCF-style: chr15-31355322-C-T.
Other names: c.1015G>A, p.Gly339Arg (NM_001252020.2); c.898G>A, p.Gly300Arg (NM_002420.6); short protein forms G300R, G322R, G339R.
Identifiers: ClinVar variation 1009765 (VCV001009765.7), dbSNP rs775114053, ClinGen allele CA7452761.

ClinVar aggregate classification (germline): Uncertain significance. Review status: criteria provided, multiple submitters, no conflicts (2 of 4 stars). 2 submissions from 2 submitters: Uncertain significance (2). Last evaluated 2023-03-06.

Allele frequency attached by ClinVar (database versions not stated): gnomAD 0.00004; TOPMed 0.00004; ExAC 0.00006; gnomAD exomes 0.00006.
gnomAD v4.1: 88 of 1,614,080 alleles (0.0055%); highest among the groups gnomAD compares: South Asian, 0.016%; no homozygotes.

Submissions (2):

Blueprint Genetics
Classification: Uncertain significance. Last evaluated: 2023-03-06. Review status: criteria provided, single submitter. Criteria: ACMG Guidelines, 2015. Collection method: clinical testing. Allele origin: germline.

Labcorp Genetics (formerly Invitae), Labcorp
Classification: Uncertain significance. Last evaluated: 2022-10-03. Review status: criteria provided, single submitter. Criteria: Invitae Variant Classification Sherloc (09022015). Collection method: clinical testing. Allele origin: germline.
Comment: This sequence change replaces glycine, which is neutral and non-polar, with arginine, which is basic and polar, at codon 300 of the TRPM1 protein (p.Gly300Arg). This variant is present in population databases (rs775114053, gnomAD 0.02%). This variant has not been reported in the literature in individuals affected with TRPM1-related conditions. ClinVar contains an entry for this variant (Variation ID: 1009765). Algorithms developed to predict the effect of missense changes on protein structure and function are either unavailable or do not agree on the potential impact of this missense change (SIFT: "Deleterious"; PolyPhen-2: "Probably Damaging"; Align-GVGD: "Class C0"). Algorithms developed to predict the effect of sequence changes on RNA splicing suggest that this variant may disrupt the consensus splice site. In summary, the available evidence is currently insufficient to determine the role of this variant in disease. Therefore, it has been classified as a Variant of Uncertain Significance.